The following is an entry in ClinVar:

NM_006790.3(MYOT):c.959C>T (p.Ala320Val)

Genes: PKD2L2-DT (PKD2L2 divergent transcript; minus strand), MYOT (myotilin; plus strand). Cytogenetic location: 5q31.2.
Variant type: single nucleotide variant.
Coding change: c.959C>T on transcript NM_006790.3 (MANE Select); coding-DNA position 959, C replaced by T.
Protein change: p.Ala320Val; replaces alanine 320 with valine.
Molecular consequence: missense variant.
Genome position (GRCh38, 1-based): chr5:137,883,526, C>T. VCF-style: chr5-137883526-C-T. GRCh37 (hg19) VCF-style: chr5-137219215-C-T.
Other names: c.407C>T, p.Ala136Val (NM_001135940.2); c.614C>T, p.Ala205Val (NM_001300911.2); short protein forms A136V, A205V, A320V.
Identifiers: ClinVar variation 1346145 (VCV001346145.8), dbSNP rs2149988068, ClinGen allele CA361055808.

ClinVar aggregate classification (germline): Uncertain significance (1 of 4 stars; one submission).

Conditions:
Myofibrillar myopathy 3 (MFM3). Also called: Muscular dystrophy, proximal, type 1A; Autosomal dominant spheroid body myopathy. Identifiers: Orphanet 266, Orphanet 268129, MedGen C3714934, MONDO:0012215, OMIM 609200.

Submission:

Labcorp Genetics (formerly Invitae), Labcorp
Classification: Uncertain significance for Myofibrillar myopathy 3. Last evaluated: 2023-12-22. Review status: criteria provided, single submitter. Criteria: Invitae Variant Classification Sherloc (09022015). Collection method: clinical testing. Allele origin: germline.
Comment: This sequence change replaces alanine, which is neutral and non-polar, with valine, which is neutral and non-polar, at codon 320 of the MYOT protein (p.Ala320Val). This variant is not present in population databases (gnomAD no frequency). This variant has not been reported in the literature in individuals affected with MYOT-related conditions. ClinVar contains an entry for this variant (Variation ID: 1346145). An algorithm developed to predict the effect of missense changes on protein structure and function (PolyPhen-2) suggests that this variant is likely to be tolerated. In summary, the available evidence is currently insufficient to determine the role of this variant in disease. Therefore, it has been classified as a Variant of Uncertain Significance.